The following is an entry in ClinVar:

ClinVar aggregate classification (germline): Uncertain significance (1 of 4 stars; one submission).

Conditions:
Arginine:glycine amidinotransferase deficiency (CCDS3). Also called: Cerebral creatine deficiency syndrome 3; L-Arginine:Glycine Amidinotransferase (AGAT) Deficiency; AGAT deficiency; L-Arginine:Glycine Amidinotransferase Deficiency; Creatine deficiency syndrome due to AGAT deficiency; GATM deficiency. Identifiers: Orphanet 35704, MedGen C2675179, MONDO:0012996, OMIM 612718.

Submission:

Labcorp Genetics (formerly Invitae), Labcorp
Classification: Uncertain significance for Arginine:glycine amidinotransferase deficiency. Last evaluated: 2021-12-19. Review status: criteria provided, single submitter. Criteria: Invitae Variant Classification Sherloc (09022015). Collection method: clinical testing. Allele origin: germline.
Comment: This sequence change replaces arginine, which is basic and polar, with serine, which is neutral and polar, at codon 263 of the GATM protein (p.Arg263Ser). This variant is not present in population databases (gnomAD no frequency). This variant has not been reported in the literature in individuals affected with GATM-related conditions. Algorithms developed to predict the effect of missense changes on protein structure and function are either unavailable or do not agree on the potential impact of this missense change (SIFT: "Deleterious"; PolyPhen-2: "Possibly Damaging"; Align-GVGD: "Class C0"). In summary, the available evidence is currently insufficient to determine the role of this variant in disease. Therefore, it has been classified as a Variant of Uncertain Significance.

NM_001482.3(GATM):c.789A>C (p.Arg263Ser)

Gene: GATM (glycine amidinotransferase; minus strand). Cytogenetic location: 15q21.1.
Variant type: single nucleotide variant.
Coding change: c.789A>C on transcript NM_001482.3 (MANE Select); coding-DNA position 789, A replaced by C.
Protein change: p.Arg263Ser; replaces arginine 263 with serine.
Molecular consequence: missense variant.
Genome position (GRCh38, 1-based): chr15:45,366,395, T>G on the plus strand (A>C on the coding strand, the complement: GATM is on the minus strand). VCF-style: chr15-45366395-T-G. GRCh37 (hg19) VCF-style: chr15-45658593-T-G.
Other names: c.402A>C, p.Arg134Ser (NM_001321015.2); short protein forms R263S, R134S.
Identifiers: ClinVar variation 2047577 (VCV002047577.4), dbSNP rs1431820716, ClinGen allele CA392258643.